The following is an entry in ClinVar:

ClinVar aggregate classification (germline): Uncertain significance (1 of 4 stars; one submission).

gnomAD v4.1: 1 of 1,552,040 alleles (0.000064%); highest among the groups gnomAD compares: Non-Finnish European, 0.000087%; no homozygotes.

Submission:

Labcorp Genetics (formerly Invitae), Labcorp
Classification: Uncertain significance. Last evaluated: 2025-04-30. Review status: criteria provided, single submitter. Criteria: Invitae Variant Classification Sherloc (09022015). Collection method: clinical testing. Allele origin: germline.
Comment: This sequence change replaces leucine, which is neutral and non-polar, with histidine, which is basic and polar, at codon 1804 of the TET2 protein (p.Leu1804His). This variant is not present in population databases (gnomAD no frequency). This variant has not been reported in the literature in individuals affected with TET2-related conditions. An algorithm developed to predict the effect of missense changes on protein structure and function (PolyPhen-2) suggests that this variant is likely to be disruptive. In summary, the available evidence is currently insufficient to determine the role of this variant in disease. Therefore, it has been classified as a Variant of Uncertain Significance.

NM_001127208.3(TET2):c.5411T>A (p.Leu1804His)

Genes: TET2 (tet methylcytosine dioxygenase 2; plus strand), TET2-AS1 (TET2 antisense RNA 1; minus strand). Cytogenetic location: 4q24.
Variant type: single nucleotide variant.
Coding change: c.5411T>A on transcript NM_001127208.3 (MANE Select); coding-DNA position 5411, T replaced by A.
Protein change: p.Leu1804His; replaces leucine 1804 with histidine.
Molecular consequence: missense variant.
Genome position (GRCh38, 1-based): chr4:105,275,921, T>A. VCF-style: chr4-105275921-T-A. GRCh37 (hg19) VCF-style: chr4-106197078-T-A.
Other names: short protein forms L1804H.
Identifiers: ClinVar variation 4777730 (VCV004777730.1).